The following is an entry in ClinVar:

NC_000023.11:g.(?_69616225)_(69616454_?)del

Gene: EDA (ectodysplasin A; plus strand). Cytogenetic location: Xq13.1.
Variant type: Deletion.
Identifiers: ClinVar variation 3075997 (VCV003075997.1).

ClinVar aggregate classification (germline): Pathogenic (1 of 4 stars; one submission).

Conditions:
Hypohidrotic X-linked ectodermal dysplasia (XHED). Also called: ECTODERMAL DYSPLASIA, HYPOHIDROTIC, 1; CST SYNDROME; Anhidrotic ectodermal dysplasia X-linked; Christ Siemens Touraine syndrome; ECTODERMAL DYSPLASIA 1, HYPOHIDROTIC, X-LINKED; ECTODERMAL DYSPLASIA 1, HYPOHIDROTIC/HAIR/TOOTH TYPE, X-LINKED. Identifiers: Orphanet 181, Orphanet 238468, MedGen C0162359, MONDO:0010585, OMIM 305100.

Submission:

Laboratory for Molecular Medicine, Mass General Brigham Personalized Medicine
Classification: Pathogenic for Hypohidrotic X-linked ectodermal dysplasia. Last evaluated: 2014-09-08. Review status: criteria provided, single submitter. Criteria: ACMG Guidelines, 2015. Collection method: clinical testing. Allele origin: germline.
Comment: This result indicates a deletion within the 5’UTR and coding region of exon 1. Of note, exact breakpoints of copy number variants cannot be detected by MLPA analysis. The deletion of exon 1 has been reported in two males with X-linked hypohidrotic ectodermal dysplasia (XLHED; Paakkonen 2001, Lexner 2008). In addition, other single or multiple exon deletions in the EDA gene have been reported in individuals with XLHED. This deletion is expected to lead to an absent or truncated protein. Therefore, this variant meets our criteria for pathogenicity.

Literature cited by the submitters: PubMed 8696334; PubMed 18510547; PubMed 9736768; PubMed 9683615; PubMed 11295832; PubMed 11378824; PubMed 18427821; PubMed 20374512; PubMed 20979233.